The following is an entry in ClinVar:

ClinVar aggregate classification (germline): Uncertain significance (1 of 4 stars; one submission).

Allele frequency attached by ClinVar (database versions not stated): gnomAD exomes below 0.00001; gnomAD 0.00001.
gnomAD v4.1: 5 of 1,594,862 alleles (0.00031%); highest among the groups gnomAD compares: Admixed American, 0.0017%; no homozygotes.

Submission:

CeGaT Center for Human Genetics Tuebingen
Classification: Uncertain significance. Last evaluated: 2026-01-01. Review status: criteria provided, single submitter. Criteria: CeGaT Center For Human Genetics Tuebingen Variant Classification Criteria Version 2. Collection method: clinical testing. Allele origin: germline. Affected: yes. Observed: 1 variant allele.
Comment: TTN: PM2, BP2, BP4

NM_001267550.2(TTN):c.55693G>A (p.Val18565Met)

Genes: TTN (titin; minus strand), TTN-AS1 (TTN antisense RNA 1; plus strand). Cytogenetic location: 2q31.2.
Variant type: single nucleotide variant.
Coding change: c.55693G>A on transcript NM_001267550.2 (MANE Select); coding-DNA position 55693, G replaced by A.
Protein change: p.Val18565Met; replaces valine 18565 with methionine.
Molecular consequence: missense variant.
Genome position (GRCh38, 1-based): chr2:178,601,304, C>T on the plus strand (G>A on the coding strand, the complement: TTN is on the minus strand). VCF-style: chr2-178601304-C-T. GRCh37 (hg19) VCF-style: chr2-179466031-C-T.
Other names: c.50770G>A, p.Val16924Met (NM_001256850.1); c.28498G>A, p.Val9500Met (NM_003319.4); c.47989G>A, p.Val15997Met (NM_133378.4); c.28873G>A, p.Val9625Met (NM_133432.3); c.29074G>A, p.Val9692Met (NM_133437.4); short protein forms V15997M, V16924M, V18565M, V9500M, V9625M, V9692M.
Identifiers: ClinVar variation 2672840 (VCV002672840.23), dbSNP rs2053387204, ClinGen allele CA349538475.